The following is an entry in ClinVar:

ClinVar aggregate classification (germline): Pathogenic. Review status: criteria provided, multiple submitters, no conflicts (2 of 4 stars). 2 submissions from 2 submitters: Pathogenic (2). Last evaluated 2024-06-27.

Submissions (2):

GeneDx
Classification: Pathogenic. Last evaluated: 2024-06-27. Review status: criteria provided, single submitter. Criteria: GeneDx Variant Classification Process June 2021. Collection method: clinical testing. Allele origin: germline. Affected: yes.
Comment: Nonsense variant predicted to result in protein truncation or nonsense mediated decay in a gene for which loss of function is a known mechanism of disease; Not observed at significant frequency in large population cohorts (gnomAD); This variant is associated with the following publications: (PMID: 31630891)

Labcorp Genetics (formerly Invitae), Labcorp
Classification: Pathogenic. Last evaluated: 2022-10-27. Review status: criteria provided, single submitter. Criteria: Invitae Variant Classification Sherloc (09022015). Collection method: clinical testing. Allele origin: germline.
Comment: For these reasons, this variant has been classified as Pathogenic. ClinVar contains an entry for this variant (Variation ID: 1697182). This premature translational stop signal has been observed in individual(s) with clinical features of microcephaly with or without chorioretinopathy, lymphedema, or intellectual disability (PMID: 31630891). This variant is not present in population databases (gnomAD no frequency). This sequence change creates a premature translational stop signal (p.Ser801*) in the KIF11 gene. It is expected to result in an absent or disrupted protein product. Loss-of-function variants in KIF11 are known to be pathogenic (PMID: 22284827, 24281367).

Literature cited by the submitters: PubMed 31630891 (cited by Labcorp Genetics (formerly Invitae), Labcorp); PubMed 22284827 (cited by Labcorp Genetics (formerly Invitae), Labcorp); PubMed 24281367 (cited by Labcorp Genetics (formerly Invitae), Labcorp).

NM_004523.4(KIF11):c.2402_2403del (p.His800_Ser801insTer)

Gene: KIF11 (kinesin family member 11; plus strand). Cytogenetic location: 10q23.33.
Variant type: Microsatellite.
Coding change: c.2402_2403del on transcript NM_004523.4 (MANE Select); coding-DNA positions 2402 to 2403, 2 bases deleted (CT; older notation c.2402_2403delCT).
Protein change: p.His800_Ser801insTer.
Molecular consequence: nonsense.
Genome position (GRCh38, 1-based): chr10:92,645,497-92,645,498, CT deleted; deleting any 2 consecutive bases within chr10:92,645,495-92,645,498 gives the same sequence; the c. name uses the placement nearest the transcript's 3' end. VCF-style (leftmost placement, unchanged base first): chr10-92645494-ACT-A. GRCh37 (hg19) VCF-style: chr10-94405251-ACT-A.
Identifiers: ClinVar variation 1697182 (VCV001697182.9), dbSNP rs2135923421, ClinGen allele CA2580615578.